The following is an entry in ClinVar:

NM_004656.4(BAP1):c.1251-12C>T

Gene: BAP1 (BRCA1 associated deubiquitinase 1; minus strand). Cytogenetic location: 3p21.1.
Variant type: single nucleotide variant.
Coding change: c.1251-12C>T on transcript NM_004656.4 (MANE Select); 12 bases into the intron before coding-DNA position 1251, C replaced by T.
Molecular consequence: intron variant.
Genome position (GRCh38, 1-based): chr3:52,403,906, G>A on the plus strand (C>T on the coding strand, the complement: BAP1 is on the minus strand). VCF-style: chr3-52403906-G-A. GRCh37 (hg19) VCF-style: chr3-52437922-G-A.
Identifiers: ClinVar variation 490784 (VCV000490784.15), dbSNP rs924673060, ClinGen allele CA74740993.

ClinVar aggregate classification (germline): Likely benign. Review status: criteria provided, multiple submitters, no conflicts (2 of 4 stars). 4 submissions from 4 submitters: Likely benign (4). Last evaluated 2025-12-17.

Conditions:
BAP1-related tumor predisposition syndrome (TPDS1). Also called: Tumor susceptibility linked to germline BAP1 mutations; BAP1 tumor predisposition syndrome; COMMON Syndrome; TUMOR PREDISPOSITION SYNDROME 1. Identifiers: Orphanet 289539, MedGen C3280492, MONDO:0013692, OMIM 614327.
Hereditary cancer-predisposing syndrome. Also called: Hereditary Cancer Syndrome; Neoplastic Syndromes, Hereditary; Tumor predisposition; Hereditary neoplastic syndrome. Identifiers: Orphanet 140162, MedGen C0027672, MeSH D009386, MONDO:0015356.

Allele frequency attached by ClinVar (database versions not stated): gnomAD 0.00003; TOPMed 0.00003.
gnomAD v4.1: 12 of 1,613,368 alleles (0.00074%); highest among the groups gnomAD compares: African/African-American, 0.004%; no homozygotes.

Submissions (4):

Labcorp Genetics (formerly Invitae), Labcorp
Classification: Likely benign for BAP1-related tumor predisposition syndrome. Last evaluated: 2025-12-17. Review status: criteria provided, single submitter. Criteria: Invitae Variant Classification Sherloc (09022015). Collection method: clinical testing. Allele origin: germline.

Myriad Genetics, Inc.
Classification: Likely benign for BAP1-related tumor predisposition syndrome. Last evaluated: 2024-07-16. Review status: criteria provided, single submitter. Criteria: Myriad Autosomal Dominant, Autosomal Recessive and X-Linked Classification Criteria (2023). Collection method: clinical testing. Allele origin: unknown.
Comment: This variant is considered likely benign. This variant is intronic and is not expected to impact mRNA splicing.

GeneDx
Classification: Likely benign. Last evaluated: 2021-03-15. Review status: criteria provided, single submitter. Criteria: GeneDx Variant Classification Process June 2021. Collection method: clinical testing. Allele origin: germline. Affected: yes.
Comment: Not observed at a significant frequency in large population cohorts (Lek et al., 2016)

Color Diagnostics, LLC DBA Color Health
Classification: Likely benign for Hereditary cancer-predisposing syndrome. Last evaluated: 2017-03-13. Review status: criteria provided, single submitter. Criteria: ACMG Guidelines, 2015. Collection method: clinical testing. Allele origin: germline.